The following is an entry in ClinVar:

ClinVar aggregate classification (germline): Uncertain significance (1 of 4 stars; one submission).

Submission:

GeneDx
Classification: Uncertain significance. Last evaluated: 2024-06-17. Review status: criteria provided, single submitter. Criteria: GeneDx Variant Classification Process June 2021. Collection method: clinical testing. Allele origin: germline. Affected: yes.
Comment: Not observed at significant frequency in large population cohorts (gnomAD); In silico analysis indicates that this missense variant does not alter protein structure/function; Has not been previously published as pathogenic or benign to our knowledge

NM_016343.4(CENPF):c.4541G>C (p.Gly1514Ala)

Gene: CENPF (centromere protein F; plus strand). Cytogenetic location: 1q41.
Variant type: single nucleotide variant.
Coding change: c.4541G>C on transcript NM_016343.4 (MANE Select); coding-DNA position 4541, G replaced by C.
Protein change: p.Gly1514Ala; replaces glycine 1514 with alanine.
Molecular consequence: missense variant.
Genome position (GRCh38, 1-based): chr1:214,642,879, G>C. VCF-style: chr1-214642879-G-C. GRCh37 (hg19) VCF-style: chr1-214816222-G-C.
Other names: short protein forms G1514A.
Identifiers: ClinVar variation 3391624 (VCV003391624.1).